The following is an entry in ClinVar:

ClinVar aggregate classification (germline): Pathogenic/Likely pathogenic. Review status: criteria provided, multiple submitters, no conflicts (2 of 4 stars). 2 submissions from 2 submitters: Pathogenic (1); Likely pathogenic (1). Last evaluated 2021-03-22.

Conditions:
Becker muscular dystrophy (BMD). Also called: MUSCULAR DYSTROPHY, PSEUDOHYPERTROPHIC PROGRESSIVE, BECKER TYPE; Becker Muscular Dystrophy (BMD). Identifiers: Orphanet 98895, MedGen C0917713, MONDO:0010311, OMIM 300376.
Duchenne muscular dystrophy (DMD). Also called: MUSCULAR DYSTROPHY, PSEUDOHYPERTROPHIC PROGRESSIVE, DUCHENNE TYPE; Duchenne Muscular Dystrophy (DMD). Identifiers: Orphanet 98896, MedGen C0013264, MONDO:0010679, OMIM 310200.
Progressive muscular dystrophy. Identifiers: Orphanet 206644, MedGen C4551827, MONDO:0016106.

Submissions (2):

North West Genomic Laboratory Hub, Manchester University NHS Foundation Trust
Classification: Pathogenic for Duchenne muscular dystrophy; Becker muscular dystrophy. Last evaluated: 2021-03-22. Review status: criteria provided, single submitter. Criteria: ACMG Guidelines, 2015. Collection method: clinical testing. Allele origin: germline. Affected: yes.
Comment: Criteria Codes: PVS1 PM2

Myriad Genetics, Inc.
Classification: Likely pathogenic for Progressive muscular dystrophy. Last evaluated: 2019-02-22. Review status: criteria provided, single submitter. Criteria: Myriad Autosomal Dominant, Autosomal Recessive and X-Linked Classification Criteria (2023). Collection method: clinical testing. Allele origin: unknown.
Comment: NM_004006.2(DMD):c.5794C>T(Q1932*) is expected to be pathogenic in the context of dystrophinopathy (including Duchenne/Becker muscular dystrophy). This variant is predicted to lead to an abnormal or absent protein product due to the creation of a premature termination codon in DMD, a gene where loss-of-function variants are known to be pathogenic. Please note: this variant was assessed in the context of healthy population screening.

NM_004006.3(DMD):c.5794C>T (p.Gln1932Ter)

Gene: DMD (dystrophin; minus strand). Cytogenetic location: Xp21.1.
Variant type: single nucleotide variant.
Coding change: c.5794C>T on transcript NM_004006.3 (MANE Select); coding-DNA position 5794, C replaced by T.
Protein change: p.Gln1932Ter; replaces glutamine 1932 with a stop codon.
Molecular consequence: nonsense.
Genome position (GRCh38, 1-based): chrX:32,342,228, G>A on the plus strand (C>T on the coding strand, the complement: DMD is on the minus strand). VCF-style: chrX-32342228-G-A. GRCh37 (hg19) VCF-style: chrX-32360345-G-A.
Other names: c.5770C>T, p.Gln1924Ter (NM_000109.4); c.5782C>T, p.Gln1928Ter (NM_004009.3); c.5425C>T, p.Gln1809Ter (NM_004010.3); c.1771C>T, p.Gln591Ter (NM_004011.4); c.1762C>T, p.Gln588Ter (NM_004012.4); short protein forms Q591*, Q1809*, Q1924*, Q1928*, Q1932*, Q588*.
Identifiers: ClinVar variation 983656 (VCV000983656.5), dbSNP rs2097747388, ClinGen allele CA412665158.